The following is an entry in ClinVar:

ClinVar aggregate classification (germline): Conflicting classifications of pathogenicity. Review status: criteria provided, conflicting classifications (1 of 4 stars). 3 submissions from 3 submitters: Uncertain significance (1); Likely benign (1). 1 of the submissions does not count toward it. Last evaluated 2025-03-26.

Conditions:
alpha Thalassemia. Also called: Alpha thalassemia spectrum. Identifiers: Orphanet 846, MedGen C0002312, MONDO:0011399, OMIM 604131.

Submissions (3):

ARUP Laboratories, Molecular Genetics and Genomics, ARUP Laboratories
Classification: Likely benign. Last evaluated: 2025-03-26. Review status: criteria provided, single submitter. Criteria: ARUP Molecular Germline Variant Investigation Process 2024. Collection method: clinical testing. Allele origin: germline.
Comment: The Hb Bladensburg variant (HBA2: c.45G>C; p.Trp15Cys, also known as Trp14Cys when numbered from the mature protein, rs63750367, HbVar ID: 2587) is reported in the literature in a healthy individual (HbVar database and references therein). This variant is reported in ClinVar (Variation ID: 439121) and is absent from the Genome Aggregation Database, indicating it is not a common polymorphism (v2.1.1). Computational analyses are uncertain whether this variant is neutral or deleterious (REVEL: 0.69). Based on available information, this variant is considered to be likely benign. References: Link to HbVar link

Quest Diagnostics Nichols Institute San Juan Capistrano
Classification: Uncertain significance. Last evaluated: 2023-04-13. Review status: criteria provided, single submitter. Criteria: Quest Diagnostics criteria. Collection method: clinical testing. Allele origin: unknown.
Comment: Heterozygosity for this variant is associated with a normal clinical presentation. Analysis of this variant using bioinformatics tools for the prediction of the effect of amino acid changes on protein structure and function yielded predictions that this variant is damaging. This variant has not been reported in large, multi-ethnic general populations (Genome Aggregation Database). Based on the available information, we are unable to determine the clinical significance of this variant.

Natera, Inc.
Classification: Uncertain significance for Alpha thalassemia. Last evaluated: 2019-05-20. Review status: no assertion criteria provided. Collection method: clinical testing. Allele origin: germline. Not counted in ClinVar's aggregate classification.

Literature cited by the submitters: PubMed 25476779 (cited by Quest Diagnostics Nichols Institute San Juan Capistrano); PubMed 20524822 (cited by Quest Diagnostics Nichols Institute San Juan Capistrano).

NM_000517.6(HBA2):c.45G>C (p.Trp15Cys)

Genes: HBA2 (hemoglobin subunit alpha 2; plus strand), LOC106804612 (hemoglobin subunit alpha 2 recombination region; plus strand). Cytogenetic location: 16p13.3.
Variant type: single nucleotide variant.
Coding change: c.45G>C on transcript NM_000517.6 (MANE Select); coding-DNA position 45, G replaced by C.
Protein change: p.Trp15Cys; replaces tryptophan 15 with cysteine.
Molecular consequence: missense variant.
Genome position (GRCh38, 1-based): chr16:172,957, G>C. VCF-style: chr16-172957-G-C. GRCh37 (hg19) VCF-style: chr16-222956-G-C.
Other names: short protein forms W15C.
Identifiers: ClinVar variation 439121 (VCV000439121.17), dbSNP rs63750367, ClinGen allele CA276414368.
Genomic context (GRCh38, chr16:172,957, plus strand): 5'-TCAGAGAGAACCCACCATGGTGCTGTCTCCTGCCGACAAGACCAACGTCAAGGCCGCCTG[G>C]GGTAAGGTCGGCGCGCACGCTGGCGAGTATGGTGCGGAGGCCCTGGAGAGGTGAGGCTCC-3'
Protein context (NP_000508.1, residues 5-25): PADKTNVKAA[Trp15Cys]GKVGAHAGEY